The following is an entry in ClinVar:

ClinVar aggregate classification (germline): Uncertain significance. Review status: criteria provided, multiple submitters, no conflicts (2 of 4 stars). 3 submissions from 3 submitters: Uncertain significance (3). Last evaluated 2024-06-05.

Conditions:
Imerslund-Grasbeck syndrome. Also called: Imerslund-Gräsbeck syndrome; Megaloblastic anemia due to inborn errors of metabolism; ENTEROCYTE COBALAMIN MALABSORPTION; ENTEROCYTE INTRINSIC FACTOR RECEPTOR, DEFECT OF; PERNICIOUS ANEMIA, JUVENILE, DUE TO SELECTIVE INTESTINAL MALABSORPTION OF VITAMIN B12, WITH PROTEINURIA. Identifiers: Orphanet 35858, MedGen C4551825, MONDO:0009853.
Imerslund-Grasbeck syndrome type 2. Also called: MEGALOBLASTIC ANEMIA, NORWEGIAN TYPE; Imerslund-Gräsbeck syndrome 2; Megaloblastic anemia 1, Norwegian type. Identifiers: MedGen C4016948, MONDO:0100157, OMIM 618882.
Inborn genetic diseases. Identifiers: MedGen C0950123, MeSH D030342.

Allele frequency attached by ClinVar (database versions not stated): gnomAD 0.00005; TOPMed 0.00006.

Submissions (3):

Fulgent Genetics
Classification: Uncertain significance for Imerslund-Grasbeck syndrome type 2. Last evaluated: 2024-06-05. Review status: criteria provided, single submitter. Criteria: ACMG Guidelines, 2015. Collection method: clinical testing. Allele origin: germline.

Ambry Genetics
Classification: Uncertain significance for Inborn genetic diseases. Last evaluated: 2023-12-08. Review status: criteria provided, single submitter. Criteria: Ambry Variant Classification Scheme 2023. Collection method: clinical testing. Allele origin: germline.

Labcorp Genetics (formerly Invitae), Labcorp
Classification: Uncertain significance for Imerslund-Grasbeck syndrome. Last evaluated: 2021-08-31. Review status: criteria provided, single submitter. Criteria: Invitae Variant Classification Sherloc (09022015). Collection method: clinical testing. Allele origin: germline.
Comment: This sequence change replaces arginine with glycine at codon 134 of the AMN protein (p.Arg134Gly). The arginine residue is highly conserved and there is a moderate physicochemical difference between arginine and glycine. This variant is not present in population databases (ExAC no frequency). This variant has not been reported in the literature in individuals affected with AMN-related conditions. Algorithms developed to predict the effect of missense changes on protein structure and function are either unavailable or do not agree on the potential impact of this missense change (SIFT: "Deleterious"; PolyPhen-2: "Possibly Damaging"; Align-GVGD: "Class C0"). In summary, the available evidence is currently insufficient to determine the role of this variant in disease. Therefore, it has been classified as a Variant of Uncertain Significance.

NM_030943.4(AMN):c.400C>G (p.Arg134Gly)

Gene: AMN (amnion associated transmembrane protein; plus strand). Cytogenetic location: 14q32.32.
Variant type: single nucleotide variant.
Coding change: c.400C>G on transcript NM_030943.4 (MANE Select); coding-DNA position 400, C replaced by G.
Protein change: p.Arg134Gly; replaces arginine 134 with glycine.
Molecular consequence: missense variant.
Genome position (GRCh38, 1-based): chr14:102,928,862, C>G. VCF-style: chr14-102928862-C-G. GRCh37 (hg19) VCF-style: chr14-103395199-C-G.
Other names: short protein forms R134G.
Identifiers: ClinVar variation 532199 (VCV000532199.9), dbSNP rs758317090, ClinGen allele CA391080570.
Genomic context (GRCh38, chr14:102,928,862, plus strand): 5'-GACCCGCACCTGTGGCGCTCTGGGGACGAGGCACCTGGCCTCTTCTTCGTGGACGCCGAG[C>G]GCGTGCCCTGCCGCCACGACGACGTCTTCTTTCCGCCTAGTGCCTCCTTCCGCGTGGGGC-3'
Protein context (NP_112205.2, residues 124-144): APGLFFVDAE[Arg134Gly]VPCRHDDVFF